The following is an entry in ClinVar:

NM_000342.4(SLC4A1):c.2259C>T (p.Ile753=)

Gene: SLC4A1 (solute carrier family 4 member 1 (Diego blood group); minus strand). Cytogenetic location: 17q21.31.
Variant type: single nucleotide variant.
Coding change: c.2259C>T on transcript NM_000342.4 (MANE Select); coding-DNA position 2259, C replaced by T.
Protein change: p.Ile753=; no amino-acid change (isoleucine 753 retained).
Molecular consequence: synonymous variant.
Genome position (GRCh38, 1-based): chr17:44,253,170, G>A on the plus strand (C>T on the coding strand, the complement: SLC4A1 is on the minus strand). VCF-style: chr17-44253170-G-A. GRCh37 (hg19) VCF-style: chr17-42330538-G-A.
Other names: p.Ile753=.
Identifiers: ClinVar variation 4684221 (VCV004684221.1).

ClinVar aggregate classification (germline): Likely benign (1 of 4 stars; one submission).

Submission:

Mayo Clinic Laboratories, Mayo Clinic
Classification: Likely benign. Last evaluated: 2025-07-15. Review status: criteria provided, single submitter. Criteria: ACMG Guidelines, 2015. Collection method: clinical testing. Allele origin: germline. Observed: 1 variant allele.
Comment: BP4, BP7, PM2_supporting